The following is an entry in ClinVar:

NM_001100.4(ACTA1):c.517C>A (p.Leu173Met)

Gene: ACTA1 (actin alpha 1, skeletal muscle; minus strand). Cytogenetic location: 1q42.13.
Variant type: single nucleotide variant.
Coding change: c.517C>A on transcript NM_001100.4 (MANE Select); coding-DNA position 517, C replaced by A.
Protein change: p.Leu173Met; replaces leucine 173 with methionine.
Molecular consequence: missense variant.
Genome position (GRCh38, 1-based): chr1:229,432,369, G>T on the plus strand (C>A on the coding strand, the complement: ACTA1 is on the minus strand). VCF-style: chr1-229432369-G-T. GRCh37 (hg19) VCF-style: chr1-229568116-G-T.
Other names: c.517C>A (NM_001100.3); short protein forms L173M.
Identifiers: ClinVar variation 1450632 (VCV001450632.9), dbSNP rs2102735941, ClinGen allele CA345148519.

ClinVar aggregate classification (germline): Uncertain significance. Review status: criteria provided, multiple submitters, no conflicts (2 of 4 stars). 2 submissions from 2 submitters: Uncertain significance (2). Last evaluated 2025-11-20.

Conditions:
Actin accumulation myopathy (CMYO2A). Also called: CONGENITAL MYOPATHY 2A, TYPICAL, AUTOSOMAL DOMINANT; Nemaline myopathy type 3; Myopathy, actin, congenital, with excess of thin myofilaments; Myopathy, actin, congenital, with cores; Nemaline myopathy 3, with intranuclear rods. Identifiers: Orphanet 98904, MedGen C3711389, MONDO:0008070, OMIM 161800.
Inborn genetic diseases. Identifiers: MedGen C0950123, MeSH D030342.

Submissions (2):

Ambry Genetics
Classification: Uncertain significance for Inborn genetic diseases. Last evaluated: 2025-11-20. Review status: criteria provided, single submitter. Criteria: Ambry Variant Classification Scheme 2023. Collection method: clinical testing. Allele origin: germline.

Labcorp Genetics (formerly Invitae), Labcorp
Classification: Uncertain significance for Actin accumulation myopathy. Last evaluated: 2022-03-27. Review status: criteria provided, single submitter. Criteria: Invitae Variant Classification Sherloc (09022015). Collection method: clinical testing. Allele origin: germline.
Comment: In summary, the available evidence is currently insufficient to determine the role of this variant in disease. Therefore, it has been classified as a Variant of Uncertain Significance. Advanced modeling of protein sequence and biophysical properties (such as structural, functional, and spatial information, amino acid conservation, physicochemical variation, residue mobility, and thermodynamic stability) performed at Invitae indicates that this missense variant is expected to disrupt ACTA1 protein function. This variant has not been reported in the literature in individuals affected with ACTA1-related conditions. This variant is not present in population databases (gnomAD no frequency). This sequence change replaces leucine, which is neutral and non-polar, with methionine, which is neutral and non-polar, at codon 173 of the ACTA1 protein (p.Leu173Met).